The following is an entry in ClinVar:

ClinVar aggregate classification (germline): Uncertain significance. Review status: criteria provided, multiple submitters, no conflicts (2 of 4 stars). 3 submissions from 3 submitters: Uncertain significance (3). Last evaluated 2026-05-06.

Conditions:
MYH7B-related disorder. Also called: MYH7B-related condition.

Allele frequency attached by ClinVar (database versions not stated): gnomAD 0.00001; gnomAD exomes 0.00004 and 0.00019; TOPMed 0.00008; ExAC 0.00014.
gnomAD v4.1: 57 of 1,612,470 alleles (0.0035%); highest among the groups gnomAD compares: Admixed American, 0.092%; no homozygotes.

Submissions (3):

PreventionGenetics, part of Exact Sciences
Classification: Uncertain significance for MYH7B-related condition. Last evaluated: 2026-05-06. Review status: criteria provided, single submitter. Criteria: ACMG Guidelines, 2015. Collection method: clinical testing. Allele origin: germline.
Comment: The MYH7B c.2708C>T variant is predicted to result in the amino acid substitution p.Ala903Val. To our knowledge, this variant has not been reported in the literature. This variant is reported in 0.14% of alleles in individuals of Latino descent in gnomAD, which may be too common to be causative. While this variant may be benign, at this time, the clinical significance of this variant is uncertain due to the absence of conclusive functional and genetic evidence.

Labcorp Genetics (formerly Invitae), Labcorp
Classification: Uncertain significance. Last evaluated: 2026-01-19. Review status: criteria provided, single submitter. Criteria: Invitae Variant Classification Sherloc (09022015). Collection method: clinical testing. Allele origin: germline.
Comment: This sequence change replaces alanine, which is neutral and non-polar, with valine, which is neutral and non-polar, at codon 903 of the MYH7B protein (p.Ala903Val). This variant is present in population databases (rs762622831, gnomAD 0.1%), and has an allele count higher than expected for a pathogenic variant. This variant has not been reported in the literature in individuals affected with MYH7B-related conditions. ClinVar contains an entry for this variant (Variation ID: 1426841). Invitae Evidence Modeling of protein sequence and biophysical properties (such as structural, functional, and spatial information, amino acid conservation, physicochemical variation, residue mobility, and thermodynamic stability) indicates that this missense variant is not expected to disrupt MYH7B protein function with a negative predictive value of 80%. In summary, the available evidence is currently insufficient to determine the role of this variant in disease. Therefore, it has been classified as a Variant of Uncertain Significance.

Ambry Genetics
Classification: Uncertain significance. Last evaluated: 2021-12-03. Review status: criteria provided, single submitter. Criteria: Ambry Variant Classification Scheme 2023. Collection method: clinical testing. Allele origin: germline.

NM_020884.7(MYH7B):c.2582C>T (p.Ala861Val)

Gene: MYH7B (myosin heavy chain 7B; plus strand). Cytogenetic location: 20q11.22.
Variant type: single nucleotide variant.
Coding change: c.2582C>T on transcript NM_020884.7 (MANE Select); coding-DNA position 2582, C replaced by T.
Protein change: p.Ala861Val; replaces alanine 861 with valine.
Molecular consequence: missense variant.
Genome position (GRCh38, 1-based): chr20:34,994,283, C>T. VCF-style: chr20-34994283-C-T. GRCh37 (hg19) VCF-style: chr20-33582086-C-T.
Other names: c.2708C>T (NM_020884.3, NM_020884.4); short protein forms A861V.
Identifiers: ClinVar variation 1426841 (VCV001426841.10), dbSNP rs762622831, ClinGen allele CA9827423.